The following is an entry in ClinVar:

ClinVar aggregate classification (germline): Likely benign. Review status: criteria provided, single submitter (1 of 4 stars). 2 submissions from 2 submitters: Likely benign (1). 1 of the submissions does not count toward it. Last evaluated 2023-10-01.

Conditions:
AIMP2-related disorder. Also called: AIMP2-related condition.

gnomAD v4.1: 2 of 1,578,616 alleles (0.00013%); highest among the groups gnomAD compares: South Asian, 0.0023%; no homozygotes.

Submissions (2):

CeGaT Center for Human Genetics Tuebingen
Classification: Likely benign. Last evaluated: 2023-10-01. Review status: criteria provided, single submitter. Criteria: CeGaT Center For Human Genetics Tuebingen Variant Classification Criteria Version 2. Collection method: clinical testing. Allele origin: germline. Affected: yes. Observed: 1 variant allele.
Comment: AIMP2: PM2:Supporting, BP4, BP7

PreventionGenetics, part of Exact Sciences
Classification: Likely benign for AIMP2-related condition. Last evaluated: 2020-02-06. Review status: no assertion criteria provided. Collection method: clinical testing. Allele origin: germline. Not counted in ClinVar's aggregate classification.
Comment: This variant is classified as likely benign based on ACMG/AMP sequence variant interpretation guidelines (Richards et al. 2015 PMID: 25741868, with internal and published modifications).

NM_006303.4(AIMP2):c.117G>C (p.Pro39=)

Gene: AIMP2 (aminoacyl tRNA synthetase complex interacting multifunctional protein 2; plus strand). Cytogenetic location: 7p22.1.
Variant type: single nucleotide variant.
Coding change: c.117G>C on transcript NM_006303.4 (MANE Select); coding-DNA position 117, G replaced by C.
Protein change: p.Pro39=; no amino-acid change (proline 39 retained).
Molecular consequence: synonymous variant. On other transcripts: 5 prime UTR variant (1), intron variant (3).
Genome position (GRCh38, 1-based): chr7:6,009,480, G>C. VCF-style: chr7-6009480-G-C. GRCh37 (hg19) VCF-style: chr7-6049111-G-C.
Other names: c.117G>C, p.Pro39= (NM_001326607.2); c.-204G>C (NM_001326609.2); c.-238+102G>C (NM_001326611.3); c.-251+102G>C (NM_001326610.2); c.15+102G>C (NM_001326606.2); c.117G>C (NM_006303.3).
Identifiers: ClinVar variation 2657294 (VCV002657294.25), dbSNP rs566052179, ClinGen allele CA453651293.